The following is an entry in ClinVar:

NM_002335.4(LRP5):c.1584+6G>C

Gene: LRP5 (LDL receptor related protein 5; plus strand). Cytogenetic location: 11q13.2.
Variant type: single nucleotide variant.
Coding change: c.1584+6G>C on transcript NM_002335.4 (MANE Select); 6 bases into the intron after coding-DNA position 1584, G replaced by C.
Molecular consequence: intron variant.
Genome position (GRCh38, 1-based): chr11:68,390,058, G>C. VCF-style: chr11-68390058-G-C. GRCh37 (hg19) VCF-style: chr11-68157526-G-C.
Other names: c.1584+6G>C (NM_002335.3); c.-354+3346G>C (NM_001291902.2).
Identifiers: ClinVar variation 1130638 (VCV001130638.12), dbSNP rs534512623, ClinGen allele CA6149365.

ClinVar aggregate classification (germline): Likely benign. Review status: criteria provided, single submitter (1 of 4 stars). 2 submissions from 2 submitters: Likely benign (1). 1 of the submissions does not count toward it. Last evaluated 2025-11-01.

Conditions:
LRP5-related disorder. Also called: LRP5-related condition.

Allele frequency attached by ClinVar (database versions not stated): gnomAD 0.00002 and 0.00017; TOPMed 0.00002; gnomAD exomes 0.00068; ExAC 0.00082; 1000 Genomes Project 30x 0.00109; 1000 Genomes Project 0.00120.
gnomAD v4.1: 502 of 1,614,214 alleles (0.031%); highest among the groups gnomAD compares: South Asian, 0.5%; 9 homozygotes.

Submissions (2):

Labcorp Genetics (formerly Invitae), Labcorp
Classification: Likely benign. Last evaluated: 2025-11-01. Review status: criteria provided, single submitter. Criteria: Invitae Variant Classification Sherloc (09022015). Collection method: clinical testing. Allele origin: germline.

PreventionGenetics, part of Exact Sciences
Classification: Likely benign for LRP5-related condition. Last evaluated: 2019-09-23. Review status: no assertion criteria provided. Collection method: clinical testing. Allele origin: germline. Not counted in ClinVar's aggregate classification.
Comment: This variant is classified as likely benign based on ACMG/AMP sequence variant interpretation guidelines (Richards et al. 2015 PMID: 25741868, with internal and published modifications).